The following is an entry in ClinVar:

NM_020778.5(ALPK3):c.16G>C (p.Ala6Pro)

Gene: ALPK3 (alpha kinase 3; plus strand). Cytogenetic location: 15q25.3.
Variant type: single nucleotide variant.
Coding change: c.16G>C on transcript NM_020778.5 (MANE Select); coding-DNA position 16, G replaced by C.
Protein change: p.Ala6Pro; replaces alanine 6 with proline.
Molecular consequence: missense variant.
Genome position (GRCh38, 1-based): chr15:84,817,468, G>C. VCF-style: chr15-84817468-G-C. GRCh37 (hg19) VCF-style: chr15-85360699-G-C.
Other names: short protein forms A6P.
Identifiers: ClinVar variation 1752336 (VCV001752336.7), dbSNP rs1963372895, ClinGen allele CA393369292.

ClinVar aggregate classification (germline): Uncertain significance. Review status: criteria provided, multiple submitters, no conflicts (2 of 4 stars). 2 submissions from 2 submitters: Uncertain significance (2). Last evaluated 2022-09-29.

Conditions:
Cardiovascular phenotype. Identifiers: MedGen CN230736.

Allele frequency attached by ClinVar (database versions not stated): gnomAD exomes below 0.00001; TOPMed below 0.00001.
gnomAD v4.1: 1 of 1,350,034 alleles (0.000074%); highest among the groups gnomAD compares: East Asian, 0.0032%; no homozygotes.

Submissions (2):

Labcorp Genetics (formerly Invitae), Labcorp
Classification: Uncertain significance. Last evaluated: 2022-09-29. Review status: criteria provided, single submitter. Criteria: Invitae Variant Classification Sherloc (09022015). Collection method: clinical testing. Allele origin: germline.
Comment: This sequence change replaces alanine, which is neutral and non-polar, with proline, which is neutral and non-polar, at codon 208 of the ALPK3 protein (p.Ala208Pro). The frequency data for this variant in the population databases is considered unreliable, as metrics indicate insufficient coverage at this position in the gnomAD database. This variant has not been reported in the literature in individuals affected with ALPK3-related conditions. Algorithms developed to predict the effect of missense changes on protein structure and function output the following: SIFT: "Tolerated"; PolyPhen-2: "Benign"; Align-GVGD: "Class C0". The proline amino acid residue is found in multiple mammalian species, which suggests that this missense change does not adversely affect protein function. In summary, the available evidence is currently insufficient to determine the role of this variant in disease. Therefore, it has been classified as a Variant of Uncertain Significance.

Ambry Genetics
Classification: Uncertain significance for Cardiovascular phenotype. Last evaluated: 2020-02-20. Review status: criteria provided, single submitter. Criteria: Ambry Variant Classification Scheme 2023. Collection method: clinical testing. Allele origin: germline.
Comment: The p.A208P variant (also known as c.622G>C), located in coding exon 1 of the ALPK3 gene, results from a G to C substitution at nucleotide position 622. The alanine at codon 208 is replaced by proline, an amino acid with highly similar properties. This amino acid position is poorly conserved in available vertebrate species. In addition, this alteration is predicted to be tolerated by in silico analysis. Since supporting evidence is limited at this time, the clinical significance of this alteration remains unclear.